The following is an entry in ClinVar:

ClinVar aggregate classification (germline): Uncertain significance (1 of 4 stars; one submission).

Conditions:
Complex cortical dysplasia with other brain malformations 3. Identifiers: MedGen C3809414, MONDO:0014170, OMIM 615411.

Submission:

Centre for Mendelian Genomics, University Medical Centre Ljubljana
Classification: Uncertain significance for Complex cortical dysplasia with other brain malformations 3. Last evaluated: 2026-07-22. Review status: criteria provided, single submitter. Criteria: ACMG Guidelines, 2015. Collection method: clinical testing. Allele origin: germline. Affected: yes. Observed: 2 variant alleles.
Comment: The variant is absent from control populations in gnomAD [PM2]. In silico pathogenicity prediction algorithms uniformly predict the variant as pathogenic [PP3]. The available evidence in the biomedical literature and databases is currently insufficient to assert whether the identified variant is pathogenic or a benign polymorphism. We therefore classify it as a variant of uncertain significance.

NM_001098511.3(KIF2A):c.1369G>A (p.Asp457Asn)

Gene: KIF2A (kinesin family member 2A; plus strand). Cytogenetic location: 5q12.1.
Variant type: single nucleotide variant.
Coding change: c.1369G>A on transcript NM_001098511.3 (MANE Select); coding-DNA position 1369, G replaced by A.
Protein change: p.Asp457Asn; replaces aspartic acid 457 with asparagine.
Molecular consequence: missense variant.
Genome position (GRCh38, 1-based): chr5:62,363,801, G>A. VCF-style: chr5-62363801-G-A. GRCh37 (hg19) VCF-style: chr5-61659628-G-A.
Other names: p.Asp457Asn; c.1288G>A, p.Asp430Asn (NM_001243952.2); c.1312G>A, p.Asp438Asn (NM_001243953.2); c.1369G>A, p.Asp457Asn (NM_004520.5); short protein forms D430N, D438N, D457N.
Identifiers: ClinVar variation 4871903 (VCV004871903.1).